The following is an entry in ClinVar:

ClinVar aggregate classification (germline): Benign/Likely benign. Review status: criteria provided, multiple submitters, no conflicts (2 of 4 stars). 4 submissions from 4 submitters: Benign (1); Likely benign (3). Last evaluated 2025-07-18.

Conditions:
Autosomal dominant striatal neurodegeneration type 1. Identifiers: Orphanet 228169, MedGen C4310808, MONDO:0012205, OMIM 609161.

Allele frequency attached by ClinVar (database versions not stated): ExAC 0.00024; gnomAD exomes 0.00029 and 0.00018; ESP Exome Variant Server 0.00008; gnomAD 0.00015; TOPMed 0.00015; 1000 Genomes Project 30x 0.00016; 1000 Genomes Project 0.00020.
gnomAD v4.1: 290 of 1,613,420 alleles (0.018%); highest among the groups gnomAD compares: Middle Eastern, 0.066%; 1 homozygote.

Submissions (4):

Labcorp Genetics (formerly Invitae), Labcorp
Classification: Likely benign. Last evaluated: 2025-07-18. Review status: criteria provided, single submitter. Criteria: Invitae Variant Classification Sherloc (09022015). Collection method: clinical testing. Allele origin: germline.

Blueprint Genetics
Classification: Likely benign. Last evaluated: 2024-09-30. Review status: criteria provided, single submitter. Criteria: ACMG Guidelines, 2015. Collection method: clinical testing. Allele origin: germline.

Illumina Laboratory Services, Illumina
Classification: Benign for Autosomal dominant striatal neurodegeneration type 1. Last evaluated: 2018-01-13. Review status: criteria provided, single submitter. Criteria: ICSL Variant Classification Criteria 13 December 2019. Collection method: clinical testing. Allele origin: germline.
Comment: This variant was observed in the ICSL laboratory as part of a predisposition screen in an ostensibly healthy population. It had not been previously curated by ICSL or reported in the Human Gene Mutation Database (HGMD: prior to June 1st, 2018), and was therefore a candidate for classification through an automated scoring system. Utilizing variant allele frequency, disease prevalence and penetrance estimates, and inheritance mode, an automated score was calculated to assess if this variant is too frequent to cause the disease. Based on the score and internal cut-off values, a variant classified as benign is not then subjected to further curation. The score for this variant resulted in a classification of benign for this disease.

Breakthrough Genomics
Classification: Likely benign. Review status: criteria provided, single submitter. Criteria: ACMG Guidelines, 2015. Collection method: not provided. Allele origin: germline. Inheritance: Autosomal dominant inheritance. Affected: yes.

NM_003719.5(PDE8B):c.400-7G>T

Gene: PDE8B (phosphodiesterase 8B; plus strand). Cytogenetic location: 5q13.3.
Variant type: single nucleotide variant.
Coding change: c.400-7G>T on transcript NM_003719.5 (MANE Select); 7 bases into the intron before coding-DNA position 400, G replaced by T.
Molecular consequence: intron variant.
Genome position (GRCh38, 1-based): chr5:77,325,532, G>T. VCF-style: chr5-77325532-G-T. GRCh37 (hg19) VCF-style: chr5-76621357-G-T.
Other names: c.160-7G>T (NM_001349750.3); c.157-7G>T (NM_001376069.1); c.97-7G>T (NM_001376062.1, NM_001376072.1, NM_001376070.1 and 1 more transcripts); c.94-7G>T (NM_001349752.3, NM_001376071.1); c.37-7G>T (NM_001376066.1, NM_001376074.1); c.28-7G>T (NM_001349753.2, NM_001376067.1, NM_001376075.1 and 1 more transcripts); c.463-7G>T (NM_001349749.3); c.400-7G>T (NM_001029852.4, NM_001376063.1, NM_001376064.1 and 2 more transcripts); and 2 more.
Identifiers: ClinVar variation 354150 (VCV000354150.14), dbSNP rs201875450, ClinGen allele CA3314929.